The following is an entry in ClinVar:

ClinVar aggregate classification (germline): Likely benign. Review status: criteria provided, multiple submitters, no conflicts (2 of 4 stars). 2 submissions from 2 submitters: Likely benign (2). Last evaluated 2024-11-04.

Allele frequency attached by ClinVar (database versions not stated): ESP Exome Variant Server 0.00015.
gnomAD v4.1: 166 of 1,613,620 alleles (0.01%); highest among the groups gnomAD compares: Non-Finnish European, 0.012%; 1 homozygote.

Submissions (2):

Blueprint Genetics
Classification: Likely benign. Last evaluated: 2024-11-04. Review status: criteria provided, single submitter. Criteria: ACMG Guidelines, 2015. Collection method: clinical testing. Allele origin: germline.

CeGaT Center for Human Genetics Tuebingen
Classification: Likely benign. Last evaluated: 2023-02-01. Review status: criteria provided, single submitter. Criteria: CeGaT Center For Human Genetics Tuebingen Variant Classification Criteria Version 2. Collection method: clinical testing. Allele origin: germline. Affected: yes. Observed: 3 variant alleles.
Comment: PIGS: BP4, BP7

NM_033198.4(PIGS):c.363G>A (p.Ser121=)

Gene: PIGS (phosphatidylinositol glycan anchor biosynthesis class S; minus strand). Cytogenetic location: 17q11.2.
Variant type: single nucleotide variant.
Coding change: c.363G>A on transcript NM_033198.4 (MANE Select); coding-DNA position 363, G replaced by A.
Protein change: p.Ser121=; no amino-acid change (serine 121 retained).
Molecular consequence: synonymous variant.
Genome position (GRCh38, 1-based): chr17:28,563,831, C>T on the plus strand (G>A on the coding strand, the complement: PIGS is on the minus strand). VCF-style: chr17-28563831-C-T. GRCh37 (hg19) VCF-style: chr17-26890849-C-T.
Identifiers: ClinVar variation 1675663 (VCV001675663.34), dbSNP rs141734737, ClinGen allele CA8460327.